The following is an entry in ClinVar:

NM_000435.3(NOTCH3):c.6061G>A (p.Val2021Met)

Gene: NOTCH3 (notch receptor 3; minus strand). Cytogenetic location: 19p13.12.
Variant type: single nucleotide variant.
Coding change: c.6061G>A on transcript NM_000435.3 (MANE Select); coding-DNA position 6061, G replaced by A.
Protein change: p.Val2021Met; replaces valine 2021 with methionine.
Molecular consequence: missense variant.
Genome position (GRCh38, 1-based): chr19:15,161,567, C>T on the plus strand (G>A on the coding strand, the complement: NOTCH3 is on the minus strand). VCF-style: chr19-15161567-C-T. GRCh37 (hg19) VCF-style: chr19-15272378-C-T.
Other names: p.Val2021Met; short protein forms V2021M.
Identifiers: ClinVar variation 808491 (VCV000808491.67), dbSNP rs199620476, ClinGen allele CA9262436.
Genomic context (GRCh38, chr19:15,161,567, plus strand): 5'-GCCCCAGGCCGTGGGGACCGGGGGGGCTGCGGGGCCCACTGGGTTGATCCAGCAAGCGCA[C>T]GATGTCCTGGTGCAGTCTCTCCTGGGCTACGTCCCGCGGCAGCCTGTCCAGGTGGTCGGT-3'
Protein context (NP_000426.2, residues 2011-2031): VAQERLHQDI[Val2021Met]RLLDQPSGPR

ClinVar aggregate classification (germline): Conflicting classifications of pathogenicity. Review status: criteria provided, conflicting classifications (1 of 4 stars). 11 submissions from 11 submitters: Uncertain significance (3); Benign (1); Likely benign (5). 2 of the submissions do not count toward it. Last evaluated 2026-01-29.

Conditions:
NOTCH3-related disorder. Also called: NOTCH3-related condition; NOTCH3-related disorders.
Cerebral arteriopathy, autosomal dominant, with subcortical infarcts and leukoencephalopathy, type 1 (CADASIL1). Also called: Cerebral arteriopathy with subcortical infarcts and leukoencephalopathy 1; DEMENTIA, HEREDITARY MULTIINFARCT TYPE; CADASIL 1; CASIL. Identifiers: Orphanet 136, MedGen C4551768, MONDO:0000914, OMIM 125310.

Allele frequency attached by ClinVar (database versions not stated): gnomAD 0.00013 and 0.00015; TOPMed 0.00014; ExAC 0.00025; 1000 Genomes Project 30x 0.00031; 1000 Genomes Project 0.00040.
gnomAD v4.1: 444 of 1,609,992 alleles (0.028%); highest among the groups gnomAD compares: Middle Eastern, 0.43%; 1 homozygote.

Submissions (11):

Labcorp Genetics (formerly Invitae), Labcorp
Classification: Likely benign. Last evaluated: 2026-01-29. Review status: criteria provided, single submitter. Criteria: Invitae Variant Classification Sherloc (09022015). Collection method: clinical testing. Allele origin: germline.

CeGaT Center for Human Genetics Tuebingen
Classification: Likely benign. Last evaluated: 2026-01-01. Review status: criteria provided, single submitter. Criteria: CeGaT Center For Human Genetics Tuebingen Variant Classification Criteria Version 2. Collection method: clinical testing. Allele origin: germline. Affected: yes. Observed: 3 variant alleles.
Comment: NOTCH3: BS1

Women's Health and Genetics/Laboratory Corporation of America, LabCorp
Classification: Uncertain significance. Last evaluated: 2025-11-05. Review status: criteria provided, single submitter. Criteria: LabCorp Variant Classification Summary - May 2015. Collection method: clinical testing. Allele origin: germline.
Comment: Variant summary: NOTCH3 c.6061G>A (p.Val2021Met) results in a conservative amino acid change in the encoded protein sequence. Algorithms developed to predict the effect of missense changes on protein structure and function are either unavailable or do not agree on the potential impact of this missense change. The variant allele was found at a frequency of 0.00023 in 240132 control chromosomes. This frequency is not significantly higher than estimated for disease-causing variants in NOTCH3, allowing no conclusion about variant significance. To our knowledge, no occurrence of c.6061G>A in individuals affected with NOTCH3-related conditions and no experimental evidence demonstrating its impact on protein function have been reported. ClinVar contains an entry for this variant (Variation ID: 808491). Based on the evidence outlined above, the variant was classified as uncertain significance.

Mayo Clinic Laboratories, Mayo Clinic
Classification: Likely benign. Last evaluated: 2025-09-04. Review status: criteria provided, single submitter. Criteria: ACMG Guidelines, 2015. Collection method: clinical testing. Allele origin: germline. Observed: 6 variant alleles.
Comment: BS1

Athena Diagnostics
Classification: Benign. Last evaluated: 2024-11-22. Review status: criteria provided, single submitter. Criteria: Athena Diagnostics Criteria. Collection method: clinical testing. Allele origin: unknown.

Blueprint Genetics
Classification: Likely benign. Last evaluated: 2024-11-21. Review status: criteria provided, single submitter. Criteria: ACMG Guidelines, 2015. Collection method: clinical testing. Allele origin: germline.

Centre of Medical Genetics, University Hospital Muenster
Classification: Uncertain significance for Cerebral arteriopathy, autosomal dominant, with subcortical infarcts and leukoencephalopathy, type 1. Last evaluated: 2022-01-20. Review status: criteria provided, single submitter. Criteria: ACMG Guidelines, 2015. Collection method: clinical testing. Allele origin: germline. Affected: yes. Observed: 1 variant allele, 1 heterozygote.
Comment: ACMG categories: PM2,PP3,BP1

ARUP Laboratories, Molecular Genetics and Genomics, ARUP Laboratories
Classification: Uncertain significance. Last evaluated: 2019-04-10. Review status: criteria provided, single submitter. Criteria: ARUP Molecular Germline Variant Investigation Process. Collection method: clinical testing. Allele origin: germline.
Comment: The NOTCH3 c.6061G>A; p.Val2021Met variant (rs199620476), to our knowledge, is not reported in the medical literature or gene-specific databases. This variant is found in the general population with an overall allele frequency of 0.02% (61/271496 alleles) in the Genome Aggregation Database. The valine at codon 2021 is highly conserved, and computational analyses (SIFT, PolyPhen-2) predict that this variant is deleterious. However, nearly all pathogenic NOTCH3 variants occur in exons 2-24 and either create or destroy a cysteine residue within an EGF-like domain (Rutten 2014). The p.Val2021Met does not occur within this critical region and is thus inconsistent with the presumed mechanism of disease for NOTCH3 pathogenic variants. However, due to limited information, the clinical significance of the p.Val2021Met variant is uncertain at this time. References: Rutten JW et al. Interpretation of NOTCH3 mutations in the diagnosis of CADASIL. Expert Rev Mol Diagn. 2014 Jun;14(5):593-603.

Illumina Laboratory Services, Illumina
Classification: Likely benign for Cerebral arteriopathy, autosomal dominant, with subcortical infarcts and leukoencephalopathy, type 1. Last evaluated: 2018-01-13. Review status: criteria provided, single submitter. Criteria: ICSL Variant Classification Criteria 13 December 2019. Collection method: clinical testing. Allele origin: germline.
Comment: This variant was observed in the ICSL laboratory as part of a predisposition screen in an ostensibly healthy population. It had not been previously curated by ICSL or reported in the Human Gene Mutation Database (HGMD: prior to June 1st, 2018), and was therefore a candidate for classification through an automated scoring system. Utilizing variant allele frequency, disease prevalence and penetrance estimates, and inheritance mode, an automated score was calculated to assess if this variant is too frequent to cause the disease. Based on the score and internal cut-off values, a variant classified as likely benign is not then subjected to further curation. The score for this variant resulted in a classification of likely benign for this disease.

PreventionGenetics, part of Exact Sciences
Classification: Likely benign for NOTCH3-related condition. Last evaluated: 2019-12-16. Review status: no assertion criteria provided. Collection method: clinical testing. Allele origin: germline. Not counted in ClinVar's aggregate classification.
Comment: This variant is classified as likely benign based on ACMG/AMP sequence variant interpretation guidelines (Richards et al. 2015 PMID: 25741868, with internal and published modifications).

Department of Pathology and Laboratory Medicine, Sinai Health System
Classification: Uncertain significance. Review status: no assertion criteria provided. Collection method: clinical testing. Allele origin: unknown. Affected: yes. Study: The Canadian Open Genetics Repository (COGR). Not counted in ClinVar's aggregate classification.
Comment: The NOTCH3 p.Val2021Met variant was not identified in the literature nor was it identified in ClinVar, Cosmic or LOVD 3.0. The variant was identified in dbSNP (ID: rs199620476) and in control databases in 61 of 271496 chromosomes at a frequency of 0.000225 (Genome Aggregation Database Feb 27, 2017). The variant was observed in the following populations: Other in 6 of 6940 chromosomes (freq: 0.000865), Latino in 15 of 34494 chromosomes (freq: 0.000435), European (non-Finnish) in 38 of 123660 chromosomes (freq: 0.000307) and African in 2 of 23620 chromosomes (freq: 0.000085), but not in the Ashkenazi Jewish, East Asian, European (Finnish) or South Asian populations. The p.Val2021 residue is conserved in mammals and computational analyses (PolyPhen-2, SIFT, AlignGVGD, BLOSUM, MutationTaster) provide inconsistent predictions regarding the impact to the protein; this information is not very predictive of pathogenicity. The variant occurs outside of the splicing consensus sequence and 2 of 4 in silico or computational prediction software programs (MaxEntScan, GeneSplicer, NNSPLICE, SpliceSiteFinder-like) predict a greater than 10% difference in splicing; this is not very predictive of pathogenicity. In summary, based on the above information the clinical significance of this variant cannot be determined with certainty at this time. This variant is classified as a variant of uncertain significance.

Literature cited by the submitters: PubMed 36973604 (cited by Athena Diagnostics).